The following is an entry in ClinVar:

ClinVar aggregate classification (germline): Uncertain significance. Review status: criteria provided, multiple submitters, no conflicts (2 of 4 stars). 3 submissions from 3 submitters: Uncertain significance (3). Last evaluated 2025-09-25.

Allele frequency attached by ClinVar (database versions not stated): ExAC 0.00003.
gnomAD v4.1: 17 of 1,552,874 alleles (0.0011%); highest among the groups gnomAD compares: African/African-American, 0.0028%; 1 homozygote.

Submissions (3):

Labcorp Genetics (formerly Invitae), Labcorp
Classification: Uncertain significance. Last evaluated: 2025-09-25. Review status: criteria provided, single submitter. Criteria: Invitae Variant Classification Sherloc (09022015). Collection method: clinical testing. Allele origin: germline.
Comment: This sequence change replaces proline, which is neutral and non-polar, with leucine, which is neutral and non-polar, at codon 4 of the IDH3A protein (p.Pro4Leu). The frequency data for this variant in the population databases is considered unreliable, as metrics indicate poor data quality at this position in the gnomAD database. This variant has not been reported in the literature in individuals affected with IDH3A-related conditions. ClinVar contains an entry for this variant (Variation ID: 2971999). An algorithm developed to predict the effect of missense changes on protein structure and function (PolyPhen-2) suggests that this variant is likely to be tolerated. In summary, the available evidence is currently insufficient to determine the role of this variant in disease. Therefore, it has been classified as a Variant of Uncertain Significance.

Ambry Genetics
Classification: Uncertain significance. Last evaluated: 2025-08-24. Review status: criteria provided, single submitter. Criteria: Ambry Variant Classification Scheme 2023. Collection method: clinical testing. Allele origin: germline.

Blueprint Genetics
Classification: Uncertain significance. Last evaluated: 2023-10-18. Review status: criteria provided, single submitter. Criteria: ACMG Guidelines, 2015. Collection method: clinical testing. Allele origin: germline.

NM_005530.3(IDH3A):c.11C>T (p.Pro4Leu)

Genes: IDH3A (isocitrate dehydrogenase (NAD(+)) 3 catalytic subunit alpha; plus strand), LOC130057684 (ATAC-STARR-seq lymphoblastoid silent region 6706; plus strand). Cytogenetic location: 15q25.1.
Variant type: single nucleotide variant.
Coding change: c.11C>T on transcript NM_005530.3 (MANE Select); coding-DNA position 11, C replaced by T.
Protein change: p.Pro4Leu; replaces proline 4 with leucine.
Molecular consequence: missense variant.
Genome position (GRCh38, 1-based): chr15:78,149,414, C>T. VCF-style: chr15-78149414-C-T. GRCh37 (hg19) VCF-style: chr15-78441756-C-T.
Other names: c.11C>T (NM_005530.2); short protein forms P4L.
Identifiers: ClinVar variation 2971999 (VCV002971999.5), dbSNP rs775466955, ClinGen allele CA7680427.
Genomic context (GRCh38, chr15:78,149,414, plus strand): 5'-GCTTGCGCACTGCCGCTGCGGCTGTTGCTGCGGAGCCAGGAGGGGAAGCGATGGCTGGGC[C>T]CGCGTGGATCTCTAAGGTGAGCGCTGGCAGGCCGGCGTGTGGCAGGCAGGCAGGCCGCGA-3'
Protein context (NP_005521.1, residues 1-14): MAG[Pro4Leu]AWISKVSRLL